The following is an entry in ClinVar:

NM_006231.4(POLE):c.4571C>T (p.Pro1524Leu)

Gene: POLE (DNA polymerase epsilon, catalytic subunit; minus strand). Cytogenetic location: 12q24.33.
Variant type: single nucleotide variant.
Coding change: c.4571C>T on transcript NM_006231.4 (MANE Select); coding-DNA position 4571, C replaced by T.
Protein change: p.Pro1524Leu; replaces proline 1524 with leucine.
Molecular consequence: missense variant.
Genome position (GRCh38, 1-based): chr12:132,642,977, G>A on the plus strand (C>T on the coding strand, the complement: POLE is on the minus strand). VCF-style: chr12-132642977-G-A. GRCh37 (hg19) VCF-style: chr12-133219563-G-A.
Other names: short protein forms P1524L.
Identifiers: ClinVar variation 1741577 (VCV001741577.2), dbSNP rs2138543016, ClinGen allele CA387379310.

ClinVar aggregate classification (germline): Uncertain significance (1 of 4 stars; one submission).

Conditions:
Hereditary cancer-predisposing syndrome. Also called: Hereditary Cancer Syndrome; Hereditary neoplastic syndrome; Neoplastic Syndromes, Hereditary; Tumor predisposition. Identifiers: Orphanet 140162, MedGen C0027672, MeSH D009386, MONDO:0015356.

Submission:

Ambry Genetics
Classification: Uncertain significance for Hereditary cancer-predisposing syndrome. Last evaluated: 2022-06-01. Review status: criteria provided, single submitter. Criteria: Ambry Variant Classification Scheme 2023. Collection method: clinical testing. Allele origin: germline.
Comment: The p.P1524L variant (also known as c.4571C>T), located in coding exon 36 of the POLE gene, results from a C to T substitution at nucleotide position 4571. The proline at codon 1524 is replaced by leucine, an amino acid with similar properties. This amino acid position is conserved. In addition, the in silico prediction for this alteration is inconclusive. Since supporting evidence is limited at this time, the clinical significance of this alteration remains unclear.